The following is an entry in ClinVar:

NM_003482.4(KMT2D):c.16057C>T (p.His5353Tyr)

Gene: KMT2D (lysine methyltransferase 2D; minus strand). Cytogenetic location: 12q13.12.
Variant type: single nucleotide variant.
Coding change: c.16057C>T on transcript NM_003482.4 (MANE Select); coding-DNA position 16057, C replaced by T.
Protein change: p.His5353Tyr; replaces histidine 5353 with tyrosine.
Molecular consequence: missense variant.
Genome position (GRCh38, 1-based): chr12:49,022,871, G>A on the plus strand (C>T on the coding strand, the complement: KMT2D is on the minus strand). VCF-style: chr12-49022871-G-A. GRCh37 (hg19) VCF-style: chr12-49416654-G-A.
Other names: short protein forms H5353Y.
Identifiers: ClinVar variation 2337679 (VCV002337679.3), dbSNP rs1350174178, ClinGen allele CA384679566.

ClinVar aggregate classification (germline): Uncertain significance. Review status: criteria provided, multiple submitters, no conflicts (2 of 4 stars). 2 submissions from 2 submitters: Uncertain significance (2). Last evaluated 2025-07-21.

Conditions:
Inborn genetic diseases. Identifiers: MedGen C0950123, MeSH D030342.
Kabuki syndrome. Also called: NIIKAWA-KUROKI SYNDROME; Kabuki make-up syndrome. Identifiers: Orphanet 2322, MedGen C0796004, MONDO:0016512.

Submissions (2):

Labcorp Genetics (formerly Invitae), Labcorp
Classification: Uncertain significance for Kabuki syndrome. Last evaluated: 2025-07-21. Review status: criteria provided, single submitter. Criteria: Invitae Variant Classification Sherloc (09022015). Collection method: clinical testing. Allele origin: germline.
Comment: This sequence change replaces histidine, which is basic and polar, with tyrosine, which is neutral and polar, at codon 5353 of the KMT2D protein (p.His5353Tyr). This variant is not present in population databases (gnomAD no frequency). This variant has not been reported in the literature in individuals affected with KMT2D-related conditions. ClinVar contains an entry for this variant (Variation ID: 2337679). Invitae Evidence Modeling of protein sequence and biophysical properties (such as structural, functional, and spatial information, amino acid conservation, physicochemical variation, residue mobility, and thermodynamic stability) indicates that this missense variant is expected to disrupt KMT2D protein function with a positive predictive value of 95%. In summary, the available evidence is currently insufficient to determine the role of this variant in disease. Therefore, it has been classified as a Variant of Uncertain Significance.

Ambry Genetics
Classification: Uncertain significance for Inborn genetic diseases. Last evaluated: 2022-12-20. Review status: criteria provided, single submitter. Criteria: Ambry Variant Classification Scheme 2023. Collection method: clinical testing. Allele origin: germline.